The following is an entry in ClinVar:

NM_001003801.2(SMARCD3):c.152T>A (p.Met51Lys)

Gene: SMARCD3 (SWI/SNF related BAF chromatin remodeling complex subunit D3; minus strand). Cytogenetic location: 7q36.1.
Variant type: single nucleotide variant.
Coding change: c.152T>A on transcript NM_001003801.2 (MANE Select); coding-DNA position 152, T replaced by A.
Protein change: p.Met51Lys; replaces methionine 51 with lysine.
Molecular consequence: missense variant.
Genome position (GRCh38, 1-based): chr7:151,245,598, A>T on the plus strand (T>A on the coding strand, the complement: SMARCD3 is on the minus strand). VCF-style: chr7-151245598-A-T. GRCh37 (hg19) VCF-style: chr7-150942684-A-T.
Other names: c.113T>A, p.Met38Lys (NM_001003802.2, NM_003078.4); short protein forms M38K, M51K.
Identifiers: ClinVar variation 2658188 (VCV002658188.24), dbSNP rs1460493465, ClinGen allele CA370068152.

ClinVar aggregate classification (germline): Uncertain significance (1 of 4 stars; one submission).

gnomAD v4.1: 8 of 1,153,032 alleles (0.00069%); highest among the groups gnomAD compares: Non-Finnish European, 0.00087%; no homozygotes.

Submission:

CeGaT Center for Human Genetics Tuebingen
Classification: Uncertain significance. Last evaluated: 2022-05-01. Review status: criteria provided, single submitter. Criteria: CeGaT Center For Human Genetics Tuebingen Variant Classification Criteria Version 2. Collection method: clinical testing. Allele origin: germline. Affected: yes. Observed: 1 variant allele.
Comment: SMARCD3: PM2